The following is an entry in ClinVar:

ClinVar aggregate classification (germline): Conflicting classifications of pathogenicity. Review status: criteria provided, conflicting classifications (1 of 4 stars). 4 submissions from 4 submitters: Uncertain significance (1); Likely benign (2). 1 of the submissions does not count toward it. Last evaluated 2026-01-24.

Conditions:
CRPPA-related disorder.
Autosomal recessive limb-girdle muscular dystrophy type 2U. Also called: MUSCULAR DYSTROPHY, LIMB-GIRDLE, TYPE 2U; Muscular dystrophy-dystroglycanopathy (limb-girdle), type c, 7. Identifiers: Orphanet 352479, MedGen C5190987, MONDO:0014474, OMIM 616052.
Muscular dystrophy-dystroglycanopathy (congenital with brain and eye anomalies), type A, 7. Also called: WALKER-WARBURG SYNDROME OR MUSCLE-EYE-BRAIN DISEASE, ISPD-RELATED; Congenital muscular dystrophy-dystroglycanopathy with brain and eye anomalies, type A7. Identifiers: Orphanet 899, MedGen C3553330, MONDO:0013835, OMIM 614643.

Allele frequency attached by ClinVar (database versions not stated): gnomAD 0.00016 and 0.00019; TOPMed 0.00021; gnomAD exomes 0.00022 and 0.00050; ExAC 0.00027; ESP Exome Variant Server 0.00033.
gnomAD v4.1: 747 of 1,612,474 alleles (0.046%); highest among the groups gnomAD compares: Non-Finnish European, 0.06%; 2 homozygotes.

Submissions (4):

Labcorp Genetics (formerly Invitae), Labcorp
Classification: Likely benign for Muscular dystrophy-dystroglycanopathy (congenital with brain and eye anomalies), type A, 7; Autosomal recessive limb-girdle muscular dystrophy type 2U. Last evaluated: 2026-01-24. Review status: criteria provided, single submitter. Criteria: Invitae Variant Classification Sherloc (09022015). Collection method: clinical testing. Allele origin: germline.

Blueprint Genetics
Classification: Likely benign. Last evaluated: 2024-05-03. Review status: criteria provided, single submitter. Criteria: ACMG Guidelines, 2015. Collection method: clinical testing. Allele origin: germline.

Eurofins Ntd Llc (ga)
Classification: Uncertain significance. Last evaluated: 2016-09-28. Review status: criteria provided, single submitter. Criteria: EGL Classification Definitions 2015. Collection method: clinical testing. Allele origin: germline. Observed: 3 variant alleles, 3 heterozygotes.

PreventionGenetics, part of Exact Sciences
Classification: Likely benign for CRPPA-related condition. Last evaluated: 2024-01-23. Review status: no assertion criteria provided. Collection method: clinical testing. Allele origin: germline. Not counted in ClinVar's aggregate classification.
Comment: This variant is classified as likely benign based on ACMG/AMP sequence variant interpretation guidelines (Richards et al. 2015 PMID: 25741868, with internal and published modifications).

NM_001101426.4(CRPPA):c.531C>T (p.His177=)

Gene: CRPPA (CDP-L-ribitol pyrophosphorylase A; minus strand). Cytogenetic location: 7p21.2.
Variant type: single nucleotide variant.
Coding change: c.531C>T on transcript NM_001101426.4 (MANE Select); coding-DNA position 531, C replaced by T.
Protein change: p.His177=; no amino-acid change (histidine 177 retained).
Molecular consequence: synonymous variant. On other transcripts: non-coding transcript variant (1).
Genome position (GRCh38, 1-based): chr7:16,406,064, G>A on the plus strand (C>T on the coding strand, the complement: CRPPA is on the minus strand). VCF-style: chr7-16406064-G-A. GRCh37 (hg19) VCF-style: chr7-16445689-G-A.
Other names: c.531C>T, p.His177= (NM_001101417.4, NM_001368197.1).
Identifiers: ClinVar variation 282178 (VCV000282178.21), dbSNP rs376195897, ClinGen allele CA4169591.
Genomic context (GRCh38, chr7:16,406,064, plus strand): 5'-AATGAACCACACTACAGTGCTTGTCCCTTCTATCTAGACTCAAGAAAAAAGACTTACCCC[G>A]TGTTCCTTAGCAGCTGTGACAACTTTAAGAAGGACACCTTCCTCAACAAATGGTCTCACA-3'
Protein context (NP_001094896.1, residues 167-187): LLKVVTAAKE[His177=]GAAGAIRPLV